The following is an entry in ClinVar:

NM_000287.4(PEX6):c.1303C>A (p.Pro435Thr)

Gene: PEX6 (peroxisomal biogenesis factor 6; minus strand). Cytogenetic location: 6p21.1.
Variant type: single nucleotide variant.
Coding change: c.1303C>A on transcript NM_000287.4 (MANE Select); coding-DNA position 1303, C replaced by A.
Protein change: p.Pro435Thr; replaces proline 435 with threonine.
Molecular consequence: missense variant. On other transcripts: non-coding transcript variant (1).
Genome position (GRCh38, 1-based): chr6:42,969,732, G>T on the plus strand (C>A on the coding strand, the complement: PEX6 is on the minus strand). VCF-style: chr6-42969732-G-T. GRCh37 (hg19) VCF-style: chr6-42937470-G-T.
Other names: c.1039C>A, p.Pro347Thr (NM_001316313.2); c.1303C>A (NM_000287.3); short protein forms P435T, P347T.
Identifiers: ClinVar variation 499985 (VCV000499985.10), dbSNP rs115186444, ClinGen allele CA3811374.

ClinVar aggregate classification (germline): Uncertain significance. Review status: criteria provided, multiple submitters, no conflicts (2 of 4 stars). 4 submissions from 4 submitters: Uncertain significance (4). Last evaluated 2025-03-11.

Conditions:
PEX6-related disorder. Also called: PEX6-related condition; PEX6-related disorders.
Inborn genetic diseases. Identifiers: MedGen C0950123, MeSH D030342.
Peroxisome biogenesis disorder. Identifiers: Orphanet 79189, MedGen C1832200, MONDO:0019234. Disease mechanism: loss of function.

Allele frequency attached by ClinVar (database versions not stated): ESP Exome Variant Server 0.00008; gnomAD exomes 0.00009; ExAC 0.00012; gnomAD 0.00018 and 0.00020; TOPMed 0.00023; 1000 Genomes Project 0.00040; 1000 Genomes Project 30x 0.00047.
gnomAD v4.1: 80 of 1,613,692 alleles (0.005%); highest among the groups gnomAD compares: African/African-American, 0.075%; no homozygotes.

Submissions (4):

PreventionGenetics, part of Exact Sciences
Classification: Uncertain significance for PEX6-related condition. Last evaluated: 2025-03-11. Review status: criteria provided, single submitter. Criteria: ACMG Guidelines, 2015. Collection method: clinical testing. Allele origin: germline.
Comment: The PEX6 c.1303C>A variant is predicted to result in the amino acid substitution p.Pro435Thr. To our knowledge, this variant has not been reported in the literature. This variant is reported in 0.092% of alleles in individuals of African descent in gnomAD. At this time, the clinical significance of this variant is uncertain due to the absence of conclusive functional and genetic evidence.

Ambry Genetics
Classification: Uncertain significance for Inborn genetic diseases. Last evaluated: 2024-11-16. Review status: criteria provided, single submitter. Criteria: Ambry Variant Classification Scheme 2023. Collection method: clinical testing. Allele origin: germline.

Labcorp Genetics (formerly Invitae), Labcorp
Classification: Uncertain significance for Peroxisome biogenesis disorder. Last evaluated: 2022-08-31. Review status: criteria provided, single submitter. Criteria: Invitae Variant Classification Sherloc (09022015). Collection method: clinical testing. Allele origin: germline.
Comment: This sequence change replaces proline, which is neutral and non-polar, with threonine, which is neutral and polar, at codon 435 of the PEX6 protein (p.Pro435Thr). This variant is present in population databases (rs115186444, gnomAD 0.09%). This variant has not been reported in the literature in individuals affected with PEX6-related conditions. ClinVar contains an entry for this variant (Variation ID: 499985). Algorithms developed to predict the effect of missense changes on protein structure and function (SIFT, PolyPhen-2, Align-GVGD) all suggest that this variant is likely to be tolerated. In summary, the available evidence is currently insufficient to determine the role of this variant in disease. Therefore, it has been classified as a Variant of Uncertain Significance.

Eurofins Ntd Llc (ga)
Classification: Uncertain significance. Last evaluated: 2017-01-16. Review status: criteria provided, single submitter. Criteria: EGL Classification Definitions 2015. Collection method: clinical testing. Allele origin: germline. Observed: 1 variant allele, 1 heterozygote.